The following is an entry in ClinVar:

NM_006899.5(IDH3B):c.425T>C (p.Val142Ala)

Gene: IDH3B (isocitrate dehydrogenase (NAD(+)) 3 non-catalytic subunit beta; minus strand). Cytogenetic location: 20p13.
Variant type: single nucleotide variant.
Coding change: c.425T>C on transcript NM_006899.5 (MANE Select); coding-DNA position 425, T replaced by C.
Protein change: p.Val142Ala; replaces valine 142 with alanine.
Molecular consequence: missense variant. On other transcripts: non-coding transcript variant (1).
Genome position (GRCh38, 1-based): chr20:2,660,803, A>G on the plus strand (T>C on the coding strand, the complement: IDH3B is on the minus strand). VCF-style: chr20-2660803-A-G. GRCh37 (hg19) VCF-style: chr20-2641449-A-G.
Other names: c.425T>C, p.Val142Ala (NM_001258384.3, NM_001330763.2, NM_174855.4); short protein forms V142A.
Identifiers: ClinVar variation 1010912 (VCV001010912.7), dbSNP rs2086932250, ClinGen allele CA408038628.

ClinVar aggregate classification (germline): Uncertain significance (1 of 4 stars; one submission).

Submission:

Labcorp Genetics (formerly Invitae), Labcorp
Classification: Uncertain significance. Last evaluated: 2022-02-10. Review status: criteria provided, single submitter. Criteria: Invitae Variant Classification Sherloc (09022015). Collection method: clinical testing. Allele origin: germline.
Comment: This sequence change replaces valine, which is neutral and non-polar, with alanine, which is neutral and non-polar, at codon 142 of the IDH3B protein (p.Val142Ala). This variant is not present in population databases (gnomAD no frequency). This variant has not been reported in the literature in individuals affected with IDH3B-related conditions. ClinVar contains an entry for this variant (Variation ID: 1010912). Algorithms developed to predict the effect of missense changes on protein structure and function are either unavailable or do not agree on the potential impact of this missense change (SIFT: "Not Available"; PolyPhen-2: "Possibly Damaging"; Align-GVGD: "Not Available"). In summary, the available evidence is currently insufficient to determine the role of this variant in disease. Therefore, it has been classified as a Variant of Uncertain Significance.